The following is an entry in ClinVar:

ClinVar aggregate classification (germline): Uncertain significance. Review status: criteria provided, multiple submitters, no conflicts (2 of 4 stars). 5 submissions from 5 submitters: Uncertain significance (4). 1 of the submissions does not count toward it. Last evaluated 2023-11-10.

Conditions:
Becker muscular dystrophy (BMD). Also called: MUSCULAR DYSTROPHY, PSEUDOHYPERTROPHIC PROGRESSIVE, BECKER TYPE; Becker Muscular Dystrophy (BMD). Identifiers: Orphanet 98895, MedGen C0917713, MONDO:0010311, OMIM 300376.
Duchenne muscular dystrophy (DMD). Also called: Duchenne Muscular Dystrophy (DMD); MUSCULAR DYSTROPHY, PSEUDOHYPERTROPHIC PROGRESSIVE, DUCHENNE TYPE. Identifiers: Orphanet 98896, MedGen C0013264, MONDO:0010679, OMIM 310200.
Cardiomyopathy (CMYO). Also called: Cardiomyopathies. Identifiers: Orphanet 167848, MedGen C0878544, MONDO:0004994, HP:0001638. Inheritance: Various modes of inheritance.
Dystrophin deficiency.

Allele frequency attached by ClinVar (database versions not stated): ExAC 0.00001; gnomAD 0.00002 and 0.00003; gnomAD exomes 0.00002; TOPMed 0.00003.
gnomAD v4.1: 15 of 1,209,476 alleles (0.0012%); highest among the groups gnomAD compares: South Asian, 0.0088%; no homozygotes.

Submissions (5):

GeneDx
Classification: Uncertain significance. Last evaluated: 2023-11-10. Review status: criteria provided, single submitter. Criteria: GeneDx Variant Classification Process June 2021. Collection method: clinical testing. Allele origin: germline. Affected: yes.
Comment: Identified in a patient with arrhythmogenic right ventricular cardiomyopathy, although zygosity of the variants was not provided. This individual also harbored a variant in another gene that may have also contributed to the phenotype (PMID: 28750076); In silico analysis supports that this missense variant has a deleterious effect on protein structure/function; Missense variant in a gene in which most reported pathogenic variants are truncating/loss of function; This variant is associated with the following publications: (PMID: 31402444, 28750076)

Labcorp Genetics (formerly Invitae), Labcorp
Classification: Uncertain significance for Duchenne muscular dystrophy. Last evaluated: 2022-07-13. Review status: criteria provided, single submitter. Criteria: Invitae Variant Classification Sherloc (09022015). Collection method: clinical testing. Allele origin: germline.
Comment: This sequence change replaces arginine, which is basic and polar, with histidine, which is basic and polar, at codon 1324 of the DMD protein (p.Arg1324His). This variant is present in population databases (rs768990357, gnomAD 0.008%). This missense change has been observed in individual(s) with arrythmogenic right ventricular cardiomyopathy (PMID: 28750076). ClinVar contains an entry for this variant (Variation ID: 455895). Algorithms developed to predict the effect of missense changes on protein structure and function are either unavailable or do not agree on the potential impact of this missense change (SIFT: "Deleterious"; PolyPhen-2: "Probably Damaging"; Align-GVGD: "Class C0"). In summary, the available evidence is currently insufficient to determine the role of this variant in disease. Therefore, it has been classified as a Variant of Uncertain Significance.

CeGaT Center for Human Genetics Tuebingen
Classification: Uncertain significance. Last evaluated: 2022-07-01. Review status: criteria provided, single submitter. Criteria: CeGaT Center For Human Genetics Tuebingen Variant Classification Criteria Version 2. Collection method: clinical testing. Allele origin: germline. Affected: yes. Observed: 1 variant allele.
Comment: DMD: PM2

Stanford Center for Inherited Cardiovascular Disease, Stanford University
Classification: Uncertain significance. Last evaluated: 2017-04-28. Review status: criteria provided, single submitter. Criteria: ACMG Guidelines, 2015. Collection method: provider interpretation. Allele origin: germline.

Natera, Inc.
Classification: Uncertain significance for Becker muscular dystrophy; Cardiomyopathy; Duchenne muscular dystrophy; Dystrophin deficiency. Last evaluated: 2018-05-28. Review status: no assertion criteria provided. Collection method: clinical testing. Allele origin: germline. Not counted in ClinVar's aggregate classification.

Literature cited by the submitters: PubMed 28750076 (cited by Labcorp Genetics (formerly Invitae), Labcorp).

NM_004006.3(DMD):c.3971G>A (p.Arg1324His)

Gene: DMD (dystrophin; minus strand). Cytogenetic location: Xp21.1.
Variant type: single nucleotide variant.
Coding change: c.3971G>A on transcript NM_004006.3 (MANE Select); coding-DNA position 3971, G replaced by A.
Protein change: p.Arg1324His; replaces arginine 1324 with histidine.
Molecular consequence: missense variant.
Genome position (GRCh38, 1-based): chrX:32,438,341, C>T on the plus strand (G>A on the coding strand, the complement: DMD is on the minus strand). VCF-style: chrX-32438341-C-T. GRCh37 (hg19) VCF-style: chrX-32456458-C-T.
Other names: c.3947G>A, p.Arg1316His (NM_000109.4); c.3959G>A, p.Arg1320His (NM_004009.3); c.3602G>A, p.Arg1201His (NM_004010.3); short protein forms R1324H, R1201H, R1320H, R1316H.
Identifiers: ClinVar variation 455895 (VCV000455895.35), dbSNP rs768990357, ClinGen allele CA10379139.
Genomic context (GRCh38, chrX:32,438,341, plus strand): 5'-AGTTCCTCATTGATTAGCTCATCCATGACTCCGCCATCTGTTAGGGTCTGTGCCAATATG[C>T]GAATCTGATTTGGGTTATCCTCTGAATGTCGCATCAAATTTTCAAGTGACTGAAACACAT-3'
Protein context (NP_003997.2, residues 1314-1334): RHSEDNPNQI[Arg1324His]ILAQTLTDGG